The following is an entry in ClinVar:

ClinVar aggregate classification (germline): Uncertain significance. Review status: criteria provided, multiple submitters, no conflicts (2 of 4 stars). 2 submissions from 2 submitters: Uncertain significance (2). Last evaluated 2024-05-07.

Allele frequency attached by ClinVar (database versions not stated): gnomAD 0.00001; gnomAD exomes 0.00001.

Submissions (2):

Labcorp Genetics (formerly Invitae), Labcorp
Classification: Uncertain significance. Last evaluated: 2024-05-07. Review status: criteria provided, single submitter. Criteria: Invitae Variant Classification Sherloc (09022015). Collection method: clinical testing. Allele origin: germline.
Comment: This sequence change replaces glycine, which is neutral and non-polar, with glutamic acid, which is acidic and polar, at codon 2499 of the KMT2A protein (p.Gly2499Glu). This variant is present in population databases (no rsID available, gnomAD 0.002%). This variant has not been reported in the literature in individuals affected with KMT2A-related conditions. ClinVar contains an entry for this variant (Variation ID: 1399329). Advanced modeling of protein sequence and biophysical properties (such as structural, functional, and spatial information, amino acid conservation, physicochemical variation, residue mobility, and thermodynamic stability) performed at Invitae indicates that this missense variant is not expected to disrupt KMT2A protein function with a negative predictive value of 95%. In summary, the available evidence is currently insufficient to determine the role of this variant in disease. Therefore, it has been classified as a Variant of Uncertain Significance.

CeGaT Center for Human Genetics Tuebingen
Classification: Uncertain significance. Last evaluated: 2022-09-01. Review status: criteria provided, single submitter. Criteria: CeGaT Center For Human Genetics Tuebingen Variant Classification Criteria Version 2. Collection method: clinical testing. Allele origin: germline. Affected: yes. Observed: 1 variant allele.

NM_001197104.2(KMT2A):c.7496G>A (p.Gly2499Glu)

Gene: KMT2A (lysine methyltransferase 2A; plus strand). Cytogenetic location: 11q23.3.
Variant type: single nucleotide variant.
Coding change: c.7496G>A on transcript NM_001197104.2 (MANE Select); coding-DNA position 7496, G replaced by A.
Protein change: p.Gly2499Glu; replaces glycine 2499 with glutamic acid.
Molecular consequence: missense variant.
Genome position (GRCh38, 1-based): chr11:118,503,388, G>A. VCF-style: chr11-118503388-G-A. GRCh37 (hg19) VCF-style: chr11-118374103-G-A.
Other names: c.7487G>A, p.Gly2496Glu (NM_005933.4); short protein forms G2496E, G2499E.
Identifiers: ClinVar variation 1399329 (VCV001399329.31), dbSNP rs1428335461, ClinGen allele CA382805798.